The following is an entry in ClinVar:

NM_144997.7(FLCN):c.1210C>T (p.Pro404Ser)

Gene: FLCN (folliculin; minus strand). Cytogenetic location: 17p11.2.
Variant type: single nucleotide variant.
Coding change: c.1210C>T on transcript NM_144997.7 (MANE Select); coding-DNA position 1210, C replaced by T.
Protein change: p.Pro404Ser; replaces proline 404 with serine.
Molecular consequence: missense variant.
Genome position (GRCh38, 1-based): chr17:17,216,470, G>A on the plus strand (C>T on the coding strand, the complement: FLCN is on the minus strand). VCF-style: chr17-17216470-G-A. GRCh37 (hg19) VCF-style: chr17-17119784-G-A.
Other names: c.1264C>T, p.Pro422Ser (NM_001353229.2); c.1210C>T, p.Pro404Ser (NM_001353230.2, NM_001353231.2); short protein forms P404S, P422S.
Identifiers: ClinVar variation 2818234 (VCV002818234.3), dbSNP rs2544163786, ClinGen allele CA398531907.

ClinVar aggregate classification (germline): Uncertain significance (1 of 4 stars; one submission).

Conditions:
Birt-Hogg-Dube syndrome. Also called: Birt Hogg Dubé syndrome. Identifiers: Orphanet 122, MedGen C0346010, MONDO:0800444.

Submission:

Labcorp Genetics (formerly Invitae), Labcorp
Classification: Uncertain significance for Birt-Hogg-Dube syndrome. Last evaluated: 2022-12-03. Review status: criteria provided, single submitter. Criteria: Invitae Variant Classification Sherloc (09022015). Collection method: clinical testing. Allele origin: germline.
Comment: Advanced modeling of protein sequence and biophysical properties (such as structural, functional, and spatial information, amino acid conservation, physicochemical variation, residue mobility, and thermodynamic stability) performed at Invitae indicates that this missense variant is not expected to disrupt FLCN protein function. This variant has not been reported in the literature in individuals affected with FLCN-related conditions. This variant is not present in population databases (gnomAD no frequency). This sequence change replaces proline, which is neutral and non-polar, with serine, which is neutral and polar, at codon 404 of the FLCN protein (p.Pro404Ser). In summary, the available evidence is currently insufficient to determine the role of this variant in disease. Therefore, it has been classified as a Variant of Uncertain Significance.